The following is an entry in ClinVar:

ClinVar aggregate classification (germline): Uncertain significance (1 of 4 stars; one submission).

Conditions:
RASopathy. Also called: rasopathies; Noonan spectrum disorder. Identifiers: Orphanet 536391, MedGen C5555857, MONDO:0021060.

gnomAD v4.1: 9 of 1,613,716 alleles (0.00056%); highest among the groups gnomAD compares: Non-Finnish European, 0.00076%; no homozygotes.

Submission:

Labcorp Genetics (formerly Invitae), Labcorp
Classification: Uncertain significance for RASopathy. Last evaluated: 2023-12-25. Review status: criteria provided, single submitter. Criteria: Invitae Variant Classification Sherloc (09022015). Collection method: clinical testing. Allele origin: germline.
Comment: This sequence change replaces arginine, which is basic and polar, with leucine, which is neutral and non-polar, at codon 450 of the RAF1 protein (p.Arg450Leu). This variant is not present in population databases (gnomAD no frequency). This missense change has been observed in individual(s) with dilated cardiomyopathy (PMID: 31983221). ClinVar contains an entry for this variant (Variation ID: 569070). Advanced modeling of protein sequence and biophysical properties (such as structural, functional, and spatial information, amino acid conservation, physicochemical variation, residue mobility, and thermodynamic stability) performed at Invitae indicates that this missense variant is expected to disrupt RAF1 protein function with a positive predictive value of 95%. In summary, the available evidence is currently insufficient to determine the role of this variant in disease. Therefore, it has been classified as a Variant of Uncertain Significance.

Literature cited by the submitters: PubMed 31983221.

NM_002880.4(RAF1):c.1349G>T (p.Arg450Leu)

Gene: RAF1 (Raf-1 proto-oncogene, serine/threonine kinase; minus strand). Cytogenetic location: 3p25.2.
Variant type: single nucleotide variant.
Coding change: c.1349G>T on transcript NM_002880.4 (MANE Select); coding-DNA position 1349, G replaced by T.
Protein change: p.Arg450Leu; replaces arginine 450 with leucine.
Molecular consequence: missense variant. On other transcripts: non-coding transcript variant (3).
Genome position (GRCh38, 1-based): chr3:12,590,819, C>A on the plus strand (G>T on the coding strand, the complement: RAF1 is on the minus strand). VCF-style: chr3-12590819-C-A. GRCh37 (hg19) VCF-style: chr3-12632318-C-A.
Other names: c.1409G>T, p.Arg470Leu (NM_001354689.3); c.1349G>T, p.Arg450Leu (NM_001354690.3); c.1106G>T, p.Arg369Leu (NM_001354691.3, NM_001354692.3); c.1250G>T, p.Arg417Leu (NM_001354693.3); c.1166G>T, p.Arg389Leu (NM_001354694.3); c.1007G>T, p.Arg336Leu (NM_001354695.3); short protein forms R450L, R470L, R389L, R336L, R369L, R417L.
Identifiers: ClinVar variation 569070 (VCV000569070.8), dbSNP rs886041642, ClinGen allele CA351501722.
Genomic context (GRCh38, chr3:12,590,819, plus strand): 5'-ATGCCTGGGTCCCAGAGAGGCATCAGACCATCTACTCACTCCATTCCCTGAGCCGTCTGC[C>A]GGGCAATGTCAATTAGCTGGAACATCTGAAACTTGGTCTCCTGGACATGCAGGTGTTTGT-3'
Protein context (NP_002871.1, residues 440-460): FQMFQLIDIA[Arg450Leu]QTAQGMDYLH